The following is an entry in ClinVar:

ClinVar aggregate classification (germline): Uncertain significance (1 of 4 stars; one submission).

Submission:

GeneDx
Classification: Uncertain significance. Last evaluated: 2019-09-18. Review status: criteria provided, single submitter. Criteria: GeneDx Variant Classification Process June 2021. Collection method: clinical testing. Allele origin: germline. Affected: yes.
Comment: Not observed in large population cohorts (Lek et al., 2016); In silico analysis, which includes protein predictors and evolutionary conservation, supports a deleterious effect; Has not been previously published as pathogenic or benign to our knowledge

NM_001348323.3(TRIP12):c.5951A>T (p.Glu1984Val)

Gene: TRIP12 (thyroid hormone receptor interactor 12; minus strand). Cytogenetic location: 2q36.3.
Variant type: single nucleotide variant.
Coding change: c.5951A>T on transcript NM_001348323.3 (MANE Select); coding-DNA position 5951, A replaced by T.
Protein change: p.Glu1984Val; replaces glutamic acid 1984 with valine.
Molecular consequence: missense variant.
Genome position (GRCh38, 1-based): chr2:229,768,672, T>A on the plus strand (A>T on the coding strand, the complement: TRIP12 is on the minus strand). VCF-style: chr2-229768672-T-A. GRCh37 (hg19) VCF-style: chr2-230633388-T-A.
Other names: c.5870A>T, p.Glu1957Val (NM_001284214.2, NM_001348315.2); c.5825A>T, p.Glu1942Val (NM_001284215.2, NM_001348316.2); c.4916A>T, p.Glu1639Val (NM_001284216.2); c.5810A>T, p.Glu1937Val (NM_001348317.1, NM_001348318.2); c.5936A>T, p.Glu1979Val (NM_001348319.1, NM_001348320.2); c.5939A>T, p.Glu1980Val (NM_001348321.1); c.5951A>T, p.Glu1984Val (NM_001348322.1, NM_001348324.2, NM_001348325.2 and 2 more transcripts); c.5954A>T, p.Glu1985Val (NM_001348328.1, NM_001348329.2, NM_001348330.2); and 4 more; short protein forms E1639V, E1909V, E1910V, E1937V, E1942V, E1950V, E1957V, E1958V.
Identifiers: ClinVar variation 1312243 (VCV001312243.2), dbSNP rs2154225552, ClinGen allele CA350883433.